The following is an entry in ClinVar:

ClinVar aggregate classification (germline): Uncertain significance (1 of 4 stars; one submission).

Conditions:
Intellectual developmental disorder, autosomal dominant 1. Also called: MBD5 Haploinsufficiency; Intellectual disability, autosomal dominant 1. Identifiers: Orphanet 228402, MedGen C1969562, MONDO:0007974, OMIM 156200.

Allele frequency attached by ClinVar (database versions not stated): gnomAD exomes below 0.00001.
gnomAD v4.1: 4 of 1,613,730 alleles (0.00025%); highest among the groups gnomAD compares: African/African-American, 0.0027%; no homozygotes.

Submission:

Labcorp Genetics (formerly Invitae), Labcorp
Classification: Uncertain significance for Intellectual developmental disorder, autosomal dominant 1. Last evaluated: 2024-12-24. Review status: criteria provided, single submitter. Criteria: Invitae Variant Classification Sherloc (09022015). Collection method: clinical testing. Allele origin: germline.
Comment: This sequence change replaces asparagine, which is neutral and polar, with serine, which is neutral and polar, at codon 745 of the MBD5 protein (p.Asn745Ser). The frequency data for this variant in the population databases is considered unreliable, as metrics indicate poor data quality at this position in the gnomAD database. This variant has not been reported in the literature in individuals affected with MBD5-related conditions. ClinVar contains an entry for this variant (Variation ID: 2970594). Invitae Evidence Modeling of protein sequence and biophysical properties (such as structural, functional, and spatial information, amino acid conservation, physicochemical variation, residue mobility, and thermodynamic stability) indicates that this missense variant is not expected to disrupt MBD5 protein function with a negative predictive value of 80%. In summary, the available evidence is currently insufficient to determine the role of this variant in disease. Therefore, it has been classified as a Variant of Uncertain Significance.

NM_001378120.1(MBD5):c.2234A>G (p.Asn745Ser)

Gene: MBD5 (methyl-CpG binding domain protein 5; plus strand). Cytogenetic location: 2q23.1.
Variant type: single nucleotide variant.
Coding change: c.2234A>G on transcript NM_001378120.1 (MANE Select); coding-DNA position 2234, A replaced by G.
Protein change: p.Asn745Ser; replaces asparagine 745 with serine.
Molecular consequence: missense variant.
Genome position (GRCh38, 1-based): chr2:148,470,177, A>G. VCF-style: chr2-148470177-A-G. GRCh37 (hg19) VCF-style: chr2-149227746-A-G.
Other names: c.2234A>G, p.Asn745Ser (NM_018328.5); short protein forms N745S.
Identifiers: ClinVar variation 2970594 (VCV002970594.3), dbSNP rs1297321171, ClinGen allele CA348721411.